The following is an entry in ClinVar:

ClinVar aggregate classification (germline): Uncertain significance (1 of 4 stars; one submission).

Allele frequency attached by ClinVar (database versions not stated): gnomAD exomes below 0.00001.

Submission:

CeGaT Center for Human Genetics Tuebingen
Classification: Uncertain significance. Last evaluated: 2024-04-01. Review status: criteria provided, single submitter. Criteria: CeGaT Center For Human Genetics Tuebingen Variant Classification Criteria Version 2. Collection method: clinical testing. Allele origin: germline. Affected: yes. Observed: 1 variant allele.
Comment: POLR2A: PM2, PP2

NM_000937.5(POLR2A):c.730C>T (p.Arg244Trp)

Gene: POLR2A (RNA polymerase II subunit A; plus strand). Cytogenetic location: 17p13.1.
Variant type: single nucleotide variant.
Coding change: c.730C>T on transcript NM_000937.5 (MANE Select); coding-DNA position 730, C replaced by T.
Protein change: p.Arg244Trp; replaces arginine 244 with tryptophan.
Molecular consequence: missense variant.
Genome position (GRCh38, 1-based): chr17:7,496,956, C>T. VCF-style: chr17-7496956-C-T. GRCh37 (hg19) VCF-style: chr17-7400275-C-T.
Other names: short protein forms R244W.
Identifiers: ClinVar variation 3234802 (VCV003234802.20), dbSNP rs2508107996, ClinGen allele CA397863718.